The following is an entry in ClinVar:

NM_001004320.2(AGMO):c.881dup (p.Phe295fs)

Gene: AGMO (alkylglycerol monooxygenase; minus strand). Cytogenetic location: 7p21.2.
Variant type: Duplication.
Coding change: c.881dup on transcript NM_001004320.2 (MANE Select); coding-DNA position 881, one base duplicated (A; older notation c.881dupA).
Protein change: p.Phe295fs; shifts the reading frame from phenylalanine 295.
Molecular consequence: frameshift variant.
Genome position (GRCh38, 1-based): chr7:15,387,482, T duplicated on the plus strand (A on the coding strand, the reverse complement: AGMO is on the minus strand); the first of 2 consecutive T bases (chr7:15,387,482-15,387,483); duplicating either gives the same sequence. VCF-style (leftmost placement, unchanged base first): chr7-15387481-C-CT. GRCh37 (hg19) VCF-style: chr7-15427106-C-CT.
Other names: short protein forms F295fs.
Identifiers: ClinVar variation 3347825 (VCV003347825.1).

ClinVar aggregate classification (germline): Uncertain significance (0 of 4 stars; one submission).

Conditions:
AGMO-related disorder. Also called: AGMO-related condition.

Submission:

PreventionGenetics, part of Exact Sciences
Classification: Uncertain significance for AGMO-related condition. Last evaluated: 2024-05-02. Review status: no assertion criteria provided. Collection method: clinical testing. Allele origin: germline.
Comment: The AGMO c.881dupA variant is predicted to result in a frameshift and premature protein termination (p.Phe295Valfs*6). To our knowledge, this variant has not been reported in the literature or in a large population database, indicating this variant is rare. At this time, the clinical significance of this variant is uncertain due to the absence of conclusive functional and genetic evidence.